The following is an entry in ClinVar:

ClinVar aggregate classification (germline): Uncertain significance. Review status: criteria provided, multiple submitters, no conflicts (2 of 4 stars). 2 submissions from 2 submitters: Uncertain significance (2). Last evaluated 2024-09-12.

Allele frequency attached by ClinVar (database versions not stated): gnomAD 0.00001; TOPMed 0.00001; ExAC 0.00002; gnomAD exomes 0.00002; ESP Exome Variant Server 0.00008.
gnomAD v4.1: 26 of 1,614,104 alleles (0.0016%); highest among the groups gnomAD compares: South Asian, 0.0033%; no homozygotes.

Submissions (2):

Labcorp Genetics (formerly Invitae), Labcorp
Classification: Uncertain significance. Last evaluated: 2024-09-12. Review status: criteria provided, single submitter. Criteria: Invitae Variant Classification Sherloc (09022015). Collection method: clinical testing. Allele origin: germline.
Comment: This sequence change replaces proline, which is neutral and non-polar, with leucine, which is neutral and non-polar, at codon 319 of the KIF20A protein (p.Pro319Leu). This variant is present in population databases (rs375379655, gnomAD 0.006%). This variant has not been reported in the literature in individuals affected with KIF20A-related conditions. ClinVar contains an entry for this variant (Variation ID: 2457273). An algorithm developed to predict the effect of missense changes on protein structure and function outputs the following: PolyPhen-2: "Benign". The leucine amino acid residue is found in multiple mammalian species, which suggests that this missense change does not adversely affect protein function. In summary, the available evidence is currently insufficient to determine the role of this variant in disease. Therefore, it has been classified as a Variant of Uncertain Significance.

Ambry Genetics
Classification: Uncertain significance. Last evaluated: 2023-02-14. Review status: criteria provided, single submitter. Criteria: Ambry Variant Classification Scheme 2023. Collection method: clinical testing. Allele origin: germline.

NM_005733.3(KIF20A):c.956C>T (p.Pro319Leu)

Gene: KIF20A (kinesin family member 20A; plus strand). Cytogenetic location: 5q31.2.
Variant type: single nucleotide variant.
Coding change: c.956C>T on transcript NM_005733.3 (MANE Select); coding-DNA position 956, C replaced by T.
Protein change: p.Pro319Leu; replaces proline 319 with leucine.
Molecular consequence: missense variant.
Genome position (GRCh38, 1-based): chr5:138,183,292, C>T. VCF-style: chr5-138183292-C-T. GRCh37 (hg19) VCF-style: chr5-137518981-C-T.
Other names: short protein forms P319L.
Identifiers: ClinVar variation 2457273 (VCV002457273.4), dbSNP rs375379655, ClinGen allele CA3426447.